The following is an entry in ClinVar:

NM_006618.5(KDM5B):c.3091G>A (p.Gly1031Arg)

Gene: KDM5B (lysine demethylase 5B; minus strand). Cytogenetic location: 1q32.1.
Variant type: single nucleotide variant.
Coding change: c.3091G>A on transcript NM_006618.5 (MANE Select); coding-DNA position 3091, G replaced by A.
Protein change: p.Gly1031Arg; replaces glycine 1031 with arginine.
Molecular consequence: missense variant.
Genome position (GRCh38, 1-based): chr1:202,736,386, C>T on the plus strand (G>A on the coding strand, the complement: KDM5B is on the minus strand). VCF-style: chr1-202736386-C-T. GRCh37 (hg19) VCF-style: chr1-202705514-C-T.
Other names: c.3199G>A, p.Gly1067Arg (NM_001314042.2); c.2956G>A, p.Gly986Arg (NM_001347591.2); c.3076G>A, p.Gly1026Arg (NM_001399817.1); short protein forms G1026R, G1031R, G1067R, G986R.
Identifiers: ClinVar variation 2574330 (VCV002574330.1), dbSNP rs2527427766, ClinGen allele CA344263763.

ClinVar aggregate classification (germline): Uncertain significance (1 of 4 stars; one submission).

Submission:

GeneDx
Classification: Uncertain significance. Last evaluated: 2023-01-30. Review status: criteria provided, single submitter. Criteria: GeneDx Variant Classification Process June 2021. Collection method: clinical testing. Allele origin: germline. Affected: yes.
Comment: Has not been previously published as pathogenic or benign to our knowledge; Not observed at significant frequency in large population cohorts (gnomAD); In silico analysis supports that this missense variant does not alter protein structure/function